The following is an entry in ClinVar:

NM_003036.4(SKI):c.1477A>T (p.Thr493Ser)

Gene: SKI (SKI proto-oncogene; plus strand). Cytogenetic location: 1p36.32.
Variant type: single nucleotide variant.
Coding change: c.1477A>T on transcript NM_003036.4 (MANE Select); coding-DNA position 1477, A replaced by T.
Protein change: p.Thr493Ser; replaces threonine 493 with serine.
Molecular consequence: missense variant.
Genome position (GRCh38, 1-based): chr1:2,304,295, A>T. VCF-style: chr1-2304295-A-T. GRCh37 (hg19) VCF-style: chr1-2235734-A-T.
Other names: short protein forms T493S.
Identifiers: ClinVar variation 2066620 (VCV002066620.4), dbSNP rs2521491433, ClinGen allele CA337956968.

ClinVar aggregate classification (germline): Uncertain significance (1 of 4 stars; one submission).

Conditions:
Shprintzen-Goldberg syndrome (SGS). Also called: SHPRINTZEN-GOLDBERG CRANIOSYNOSTOSIS SYNDROME; CRANIOSYNOSTOSIS WITH ARACHNODACTYLY AND ABDOMINAL HERNIAS; Marfanoid disorder with craniosynostosis type 1; Marfanoid craniosynostosis syndrome; Shprintzen-Goldberg marfanoid syndrome. Identifiers: Orphanet 2462, MedGen C1321551, MONDO:0008426, OMIM 182212.

Allele frequency attached by ClinVar (database versions not stated): gnomAD exomes below 0.00001.
gnomAD v4.1: 1 of 1,550,902 alleles (0.000064%); highest among the groups gnomAD compares: Non-Finnish European, 0.000087%; no homozygotes.

Submission:

Labcorp Genetics (formerly Invitae), Labcorp
Classification: Uncertain significance for Shprintzen-Goldberg syndrome. Last evaluated: 2022-08-12. Review status: criteria provided, single submitter. Criteria: Invitae Variant Classification Sherloc (09022015). Collection method: clinical testing. Allele origin: germline.
Comment: This variant has not been reported in the literature in individuals affected with SKI-related conditions. Algorithms developed to predict the effect of missense changes on protein structure and function (SIFT, PolyPhen-2, Align-GVGD) all suggest that this variant is likely to be tolerated. In summary, the available evidence is currently insufficient to determine the role of this variant in disease. Therefore, it has been classified as a Variant of Uncertain Significance. This sequence change replaces threonine, which is neutral and polar, with serine, which is neutral and polar, at codon 493 of the SKI protein (p.Thr493Ser). This variant is not present in population databases (gnomAD no frequency).